The following is an entry in ClinVar:

ClinVar aggregate classification (germline): Uncertain significance (1 of 4 stars; one submission).

Conditions:
X-linked complicated corpus callosum dysgenesis. Also called: X-Linked Complicated Corpus Callosum Agenesis. Identifiers: Orphanet 1497, MedGen C1839909, MONDO:0010569, OMIM 304100.

Submission:

Baylor Genetics
Classification: Uncertain significance for X-linked complicated corpus callosum dysgenesis. Last evaluated: 2019-04-11. Review status: criteria provided, single submitter. Criteria: ACMG Guidelines, 2015. Collection method: clinical testing. Allele origin: unknown. Affected: yes.
Comment: This variant was determined to be of uncertain significance according to ACMG Guidelines, 2015 [PMID:25741868].

NM_001278116.2(L1CAM):c.3754C>T (p.Pro1252Ser)

Gene: L1CAM (L1 cell adhesion molecule; minus strand). Cytogenetic location: Xq28.
Variant type: single nucleotide variant.
Coding change: c.3754C>T on transcript NM_001278116.2 (MANE Select); coding-DNA position 3754, C replaced by T.
Protein change: p.Pro1252Ser; replaces proline 1252 with serine.
Molecular consequence: missense variant.
Genome position (GRCh38, 1-based): chrX:153,862,683, G>A on the plus strand (C>T on the coding strand, the complement: L1CAM is on the minus strand). VCF-style: chrX-153862683-G-A. GRCh37 (hg19) VCF-style: chrX-153128138-G-A.
Other names: c.3754C>T, p.Pro1252Ser (NM_000425.5); c.3727C>T, p.Pro1243Ser (NM_001143963.2); c.3742C>T, p.Pro1248Ser (NM_024003.3); short protein forms P1243S, P1248S, P1252S.
Identifiers: ClinVar variation 1030783 (VCV001030783.1), dbSNP rs2064673421, ClinGen allele CA415105737.